The following is an entry in ClinVar:

NM_003823.4(TNFRSF6B):c.227G>C (p.Arg76Pro)

Genes: RTEL1-TNFRSF6B (RTEL1-TNFRSF6B readthrough (NMD candidate); plus strand), TNFRSF6B (TNF receptor superfamily member 6b; plus strand). Cytogenetic location: 20q13.33.
Variant type: single nucleotide variant.
Coding change: c.227G>C on transcript NM_003823.4 (MANE Select); coding-DNA position 227, G replaced by C.
Protein change: p.Arg76Pro; replaces arginine 76 with proline.
Molecular consequence: missense variant. On other transcripts: non-coding transcript variant (1).
Genome position (GRCh38, 1-based): chr20:63,696,994, G>C. VCF-style: chr20-63696994-G-C. GRCh37 (hg19) VCF-style: chr20-62328347-G-C.
Other names: c.227G>C (NM_003823.3); short protein forms R76P.
Identifiers: ClinVar variation 2888146 (VCV002888146.4), dbSNP rs371940556, ClinGen allele CA409710999.

ClinVar aggregate classification (germline): Uncertain significance. Review status: criteria provided, multiple submitters, no conflicts (2 of 4 stars). 2 submissions from 2 submitters: Uncertain significance (2). Last evaluated 2025-12-03.

gnomAD v4.1: 27 of 1,608,054 alleles (0.0017%); highest among the groups gnomAD compares: Non-Finnish European, 0.002%; no homozygotes.

Submissions (2):

Ambry Genetics
Classification: Uncertain significance. Last evaluated: 2025-12-03. Review status: criteria provided, single submitter. Criteria: Ambry Variant Classification Scheme 2023. Collection method: clinical testing. Allele origin: germline.

Labcorp Genetics (formerly Invitae), Labcorp
Classification: Uncertain significance. Last evaluated: 2025-03-30. Review status: criteria provided, single submitter. Criteria: Invitae Variant Classification Sherloc (09022015). Collection method: clinical testing. Allele origin: germline.
Comment: This sequence change replaces arginine, which is basic and polar, with proline, which is neutral and non-polar, at codon 76 of the TNFRSF6B protein (p.Arg76Pro). This variant is present in population databases (no rsID available, gnomAD 0.001%). This variant has not been reported in the literature in individuals affected with TNFRSF6B-related conditions. ClinVar contains an entry for this variant (Variation ID: 2888146). An algorithm developed to predict the effect of missense changes on protein structure and function (PolyPhen-2) suggests that this variant is likely to be disruptive. In summary, the available evidence is currently insufficient to determine the role of this variant in disease. Therefore, it has been classified as a Variant of Uncertain Significance.